The following is an entry in ClinVar:

NM_000020.3(ACVRL1):c.182G>A (p.Arg61Lys)

Gene: ACVRL1 (activin A receptor like type 1; plus strand). Cytogenetic location: 12q13.13.
Variant type: single nucleotide variant.
Coding change: c.182G>A on transcript NM_000020.3 (MANE Select); coding-DNA position 182, G replaced by A.
Protein change: p.Arg61Lys; replaces arginine 61 with lysine.
Molecular consequence: missense variant. On other transcripts: intron variant (1).
Genome position (GRCh38, 1-based): chr12:51,913,219, G>A. VCF-style: chr12-51913219-G-A. GRCh37 (hg19) VCF-style: chr12-52307003-G-A.
Other names: c.182G>A, p.Arg61Lys (NM_001077401.2, NM_001406487.1, NM_001406488.1 and 6 more transcripts); c.61+684G>A (NM_001406495.1); short protein forms R61K.
Identifiers: ClinVar variation 2672146 (VCV002672146.1), dbSNP rs2540158640, ClinGen allele CA384897847.

ClinVar aggregate classification (germline): Uncertain significance (1 of 4 stars; one submission).

Conditions:
Hereditary hemorrhagic telangiectasia (HHT). Also called: Osler hemorrhagic telangiectasia syndrome; ORW DISEASE; Osler Weber Rendu syndrome; OSLER-RENDU-WEBER DISEASE. Identifiers: Orphanet 774, MedGen C0039445, MONDO:0019180. Disease mechanism: loss of function.

Submission:

Clinical Genomics Laboratory, Washington University in St. Louis
Classification: Uncertain significance for Hereditary hemorrhagic telangiectasia. Last evaluated: 2023-09-23. Review status: criteria provided, single submitter. Criteria: ACMG Guidelines, 2015. Collection method: clinical testing. Allele origin: germline.
Comment: The ACVRL1 c.182G>A (p.Arg61Lys) variant was identified at a near heterozygous allelic fraction. This variant, to our knowledge, has not been reported in the medical literature. This variant is absent from the general population (gnomAD v.3.1.2), indicating it is not a common variant. Computational predictors are uncertain as to the impact of this variant on the ACVRL1 function. Due to limited information and based on ACMG/AMP guidelines for variant interpretation (Richards S et al., PMID: 25741868), the clinical significance of this variant is uncertain at this time.